The following is an entry in ClinVar:

NM_001605.3(AARS1):c.259G>A (p.Asp87Asn)

Gene: AARS1 (alanyl-tRNA synthetase 1; minus strand). Cytogenetic location: 16q22.1.
Variant type: single nucleotide variant.
Coding change: c.259G>A on transcript NM_001605.3 (MANE Select); coding-DNA position 259, G replaced by A.
Protein change: p.Asp87Asn; replaces aspartic acid 87 with asparagine.
Molecular consequence: missense variant.
Genome position (GRCh38, 1-based): chr16:70,277,040, C>T on the plus strand (G>A on the coding strand, the complement: AARS1 is on the minus strand). VCF-style: chr16-70277040-C-T. GRCh37 (hg19) VCF-style: chr16-70310943-C-T.
Other names: short protein forms D87N.
Identifiers: ClinVar variation 449873 (VCV000449873.9), dbSNP rs763757370, ClinGen allele CA8141180.

ClinVar aggregate classification (germline): Uncertain significance. Review status: criteria provided, multiple submitters, no conflicts (2 of 4 stars). 5 submissions from 4 submitters: Uncertain significance (2). 3 of the submissions do not count toward it. Last evaluated 2024-11-21.

Conditions:
Charcot-Marie-Tooth disease axonal type 2N (CMT2N). Also called: Charcot-Marie-Tooth Neuropathy Type 2N; CHARCOT-MARIE-TOOTH DISEASE, AXONAL, AUTOSOMAL DOMINANT, TYPE 2N; CHARCOT-MARIE-TOOTH NEUROPATHY, AXONAL, TYPE 2N. Identifiers: Orphanet 228174, MedGen C2750090, MONDO:0013212, OMIM 613287.
Developmental and epileptic encephalopathy, 29 (DEE29). Also called: Epileptic encephalopathy, early infantile, 29. Identifiers: Orphanet 442835, MedGen C4225361, MONDO:0014593, OMIM 616339.
Charcot-Marie-Tooth disease type 2. Also called: Charcot-Marie-Tooth type 2. Identifiers: Orphanet 64746, MedGen C0270914, MONDO:0018993.

Allele frequency attached by ClinVar (database versions not stated): TOPMed below 0.00001; ExAC 0.00001; gnomAD exomes 0.00001 and below 0.00001.

Submissions (5):

Labcorp Genetics (formerly Invitae), Labcorp
Classification: Uncertain significance for Charcot-Marie-Tooth disease type 2. Last evaluated: 2024-11-21. Review status: criteria provided, single submitter. Criteria: Invitae Variant Classification Sherloc (09022015). Collection method: clinical testing. Allele origin: germline.
Comment: This sequence change replaces aspartic acid, which is acidic and polar, with asparagine, which is neutral and polar, at codon 87 of the AARS protein (p.Asp87Asn). This variant is present in population databases (rs763757370, gnomAD 0.002%). This variant has not been reported in the literature in individuals affected with AARS-related conditions. ClinVar contains an entry for this variant (Variation ID: 449873). Invitae Evidence Modeling of protein sequence and biophysical properties (such as structural, functional, and spatial information, amino acid conservation, physicochemical variation, residue mobility, and thermodynamic stability) indicates that this missense variant is not expected to disrupt AARS protein function with a negative predictive value of 95%. In summary, the available evidence is currently insufficient to determine the role of this variant in disease. Therefore, it has been classified as a Variant of Uncertain Significance.

GeneDx
Classification: Uncertain significance. Last evaluated: 2017-03-22. Review status: criteria provided, single submitter. Criteria: GeneDx Variant Classification (06012015). Collection method: clinical testing. Allele origin: germline. Affected: yes.
Comment: The D87N variant has not been published as a pathogenic variant, nor has it been reported as a benign variant to our knowledge. The D87N variant is not observed at a significant frequency in large population cohorts (Lek et al., 2016; 1000 Genomes Consortium et al., 2015; Exome Variant Server). The D87N variant is a semi-conservative amino acid substitution, which may impact secondary protein structure as these residues differ in some properties. This substitution occurs at a position that is conserved across species, and in silico analysis predicts this variant is probably damaging to the protein structure/function. In summary, based on the currently available information, it is unclear whether this variant is a pathogenic variant or a rare benign variant.

Laboratory of Molecular Genetics (Pr. Bezieau's lab), CHU de Nantes
Classification: Likely pathogenic. Last evaluated: 2016-10-07. Review status: no assertion criteria provided. Collection method: clinical testing. Allele origin: germline. Affected: yes. Not counted in ClinVar's aggregate classification.

Myelin Disorders Clinic-Children's Medical Center/Medical Genetics Lab-Tarbiat Modares University, Children's Medical Center, Pediatrics Center of Excellence,
Classification: Uncertain significance for Charcot-Marie-Tooth disease axonal type 2N; Developmental and epileptic encephalopathy, 29. Review status: no assertion criteria provided. Collection method: clinical testing. Allele origin: inherited. Inheritance: Autosomal recessive inheritance. Affected: yes. Not counted in ClinVar's aggregate classification.

Myelin Disorders Clinic-Children's Medical Center/Medical Genetics Lab-Tarbiat Modares University, Children's Medical Center, Pediatrics Center of Excellence,
Classification: Uncertain significance for Developmental and epileptic encephalopathy, 29. Review status: no assertion criteria provided. Collection method: clinical testing. Allele origin: inherited. Inheritance: Autosomal recessive inheritance. Affected: yes. Not counted in ClinVar's aggregate classification.